The following is an entry in ClinVar:

ClinVar aggregate classification (germline): Likely pathogenic (1 of 4 stars; one submission).

Conditions:
Retinitis pigmentosa 1 (RP1). Identifiers: Orphanet 791, MedGen C0220701, MONDO:0008377, OMIM 180100.

gnomAD v4.1: 1 of 1,614,010 alleles (0.000062%); no homozygotes.

Submission:

Centre for Mendelian Genomics, University Medical Centre Ljubljana
Classification: Likely pathogenic for Retinitis pigmentosa 1. Last evaluated: 2019-10-27. Review status: criteria provided, single submitter. Criteria: ACMG Guidelines, 2015. Collection method: clinical testing. Allele origin: unknown. Affected: yes.
Comment: This variant was classified as: Likely pathogenic. The following ACMG criteria were applied in classifying this variant: PVS1,PM2.

NM_006269.2(RP1):c.4908C>A (p.Tyr1636Ter)

Genes: RP1 (RP1 axonemal microtubule associated; plus strand), LOC126860392 (CDK7 strongly-dependent group 2 enhancer GRCh37_chr8:55541319-55542518; plus strand). Cytogenetic location: 8q12.1.
Variant type: single nucleotide variant.
Coding change: c.4908C>A on transcript NM_006269.2 (MANE Select); coding-DNA position 4908, C replaced by A.
Protein change: p.Tyr1636Ter; replaces tyrosine 1636 with a stop codon.
Molecular consequence: nonsense. On other transcripts: intron variant (1).
Genome position (GRCh38, 1-based): chr8:54,628,790, C>A. VCF-style: chr8-54628790-C-A. GRCh37 (hg19) VCF-style: chr8-55541350-C-A.
Other names: c.787+6502C>A (NM_001375654.1); short protein forms Y1636*.
Identifiers: ClinVar variation 932123 (VCV000932123.3), dbSNP rs200942439, ClinGen allele CA4751968.